The following is an entry in ClinVar:

NM_139318.5(KCNH5):c.2686C>T (p.His896Tyr)

Gene: KCNH5 (potassium voltage-gated channel subfamily H member 5; minus strand). Cytogenetic location: 14q23.2.
Variant type: single nucleotide variant.
Coding change: c.2686C>T on transcript NM_139318.5 (MANE Select); coding-DNA position 2686, C replaced by T.
Protein change: p.His896Tyr; replaces histidine 896 with tyrosine.
Molecular consequence: missense variant. On other transcripts: 3 prime UTR variant (1).
Genome position (GRCh38, 1-based): chr14:62,707,789, G>A on the plus strand (C>T on the coding strand, the complement: KCNH5 is on the minus strand). VCF-style: chr14-62707789-G-A. GRCh37 (hg19) VCF-style: chr14-63174507-G-A.
Other names: c.*653C>T (NM_172375.3); short protein forms H896Y.
Identifiers: ClinVar variation 1014460 (VCV001014460.10), dbSNP rs758357872, ClinGen allele CA7217207.

ClinVar aggregate classification (germline): Uncertain significance. Review status: criteria provided, multiple submitters, no conflicts (2 of 4 stars). 2 submissions from 2 submitters: Uncertain significance (2). Last evaluated 2024-05-20.

Conditions:
Early-infantile DEE. Also called: Ohtahara syndrome; Early infantile epileptic encephalopathy with suppression bursts; Early infantile epileptic encephalopathy. Identifiers: Orphanet 1934, MedGen C0393706, MONDO:0800491.
Developmental and epileptic encephalopathy 112. Identifiers: MedGen C5882700, MONDO:0957812, OMIM 620537.

Allele frequency attached by ClinVar (database versions not stated): gnomAD exomes below 0.00001 and 0.00001; ExAC 0.00001; gnomAD 0.00001.
gnomAD v4.1: 2 of 1,614,046 alleles (0.00012%); highest among the groups gnomAD compares: African/African-American, 0.0013%; no homozygotes.

Submissions (2):

Fulgent Genetics
Classification: Uncertain significance for Developmental and epileptic encephalopathy 112. Last evaluated: 2024-05-20. Review status: criteria provided, single submitter. Criteria: ACMG Guidelines, 2015. Collection method: clinical testing. Allele origin: germline.

Labcorp Genetics (formerly Invitae), Labcorp
Classification: Uncertain significance for Early-infantile DEE. Last evaluated: 2022-12-16. Review status: criteria provided, single submitter. Criteria: Invitae Variant Classification Sherloc (09022015). Collection method: clinical testing. Allele origin: germline.
Comment: This sequence change replaces histidine, which is basic and polar, with tyrosine, which is neutral and polar, at codon 896 of the KCNH5 protein (p.His896Tyr). This variant is present in population databases (rs758357872, gnomAD 0.007%). This variant has not been reported in the literature in individuals affected with KCNH5-related conditions. ClinVar contains an entry for this variant (Variation ID: 1014460). Advanced modeling of protein sequence and biophysical properties (such as structural, functional, and spatial information, amino acid conservation, physicochemical variation, residue mobility, and thermodynamic stability) performed at Invitae indicates that this missense variant is not expected to disrupt KCNH5 protein function. In summary, the available evidence is currently insufficient to determine the role of this variant in disease. Therefore, it has been classified as a Variant of Uncertain Significance.